The following is an entry in ClinVar:

NM_020831.6(MRTFA):c.2264C>T (p.Pro755Leu)

Gene: MRTFA (myocardin related transcription factor A; minus strand). Cytogenetic location: 22q13.1.
Variant type: single nucleotide variant.
Coding change: c.2264C>T on transcript NM_020831.6 (MANE Select); coding-DNA position 2264, C replaced by T.
Protein change: p.Pro755Leu; replaces proline 755 with leucine.
Molecular consequence: missense variant.
Genome position (GRCh38, 1-based): chr22:40,418,474, G>A on the plus strand (C>T on the coding strand, the complement: MRTFA is on the minus strand). VCF-style: chr22-40418474-G-A. GRCh37 (hg19) VCF-style: chr22-40814478-G-A.
Other names: c.1964C>T, p.Pro655Leu (NM_001282660.2); c.2114C>T, p.Pro705Leu (NM_001282661.3); c.2264C>T, p.Pro755Leu (NM_001282662.3); c.2069C>T, p.Pro690Leu (NM_001318139.2); c.1964C>T (NM_020831.3); short protein forms P655L, P690L, P705L, P755L.
Identifiers: ClinVar variation 1682974 (VCV001682974.9), dbSNP rs751450501, ClinGen allele CA10249395.

ClinVar aggregate classification (germline): Uncertain significance. Review status: criteria provided, multiple submitters, no conflicts (2 of 4 stars). 2 submissions from 2 submitters: Uncertain significance (2). Last evaluated 2023-11-14.

Allele frequency attached by ClinVar (database versions not stated): ExAC 0.00001; gnomAD 0.00001; gnomAD exomes 0.00001; TOPMed 0.00001.
gnomAD v4.1: 14 of 1,613,194 alleles (0.00087%); highest among the groups gnomAD compares: Admixed American, 0.0033%; no homozygotes.

Submissions (2):

Labcorp Genetics (formerly Invitae), Labcorp
Classification: Uncertain significance. Last evaluated: 2023-11-14. Review status: criteria provided, single submitter. Criteria: Invitae Variant Classification Sherloc (09022015). Collection method: clinical testing. Allele origin: germline.
Comment: This sequence change replaces proline, which is neutral and non-polar, with leucine, which is neutral and non-polar, at codon 655 of the MKL1 protein (p.Pro655Leu). This variant is present in population databases (rs751450501, gnomAD 0.006%). This variant has not been reported in the literature in individuals affected with MKL1-related conditions. ClinVar contains an entry for this variant (Variation ID: 1682974). An algorithm developed to predict the effect of missense changes on protein structure and function (PolyPhen-2) suggests that this variant is likely to be disruptive. In summary, the available evidence is currently insufficient to determine the role of this variant in disease. Therefore, it has been classified as a Variant of Uncertain Significance.

Ambry Genetics
Classification: Uncertain significance. Last evaluated: 2022-03-21. Review status: criteria provided, single submitter. Criteria: Ambry Variant Classification Scheme 2023. Collection method: clinical testing. Allele origin: germline.